The following is an entry in ClinVar:

ClinVar aggregate classification (germline): Uncertain significance (1 of 4 stars; one submission).

Submission:

Labcorp Genetics (formerly Invitae), Labcorp
Classification: Uncertain significance. Last evaluated: 2023-08-09. Review status: criteria provided, single submitter. Criteria: Invitae Variant Classification Sherloc (09022015). Collection method: clinical testing. Allele origin: unknown.
Comment: In summary, the available evidence is currently insufficient to determine the role of this variant in disease. Therefore, it has been classified as a Variant of Uncertain Significance. Experimental studies and prediction algorithms are not available or were not evaluated, and the functional significance of this variant is currently unknown. This variant has not been reported in the literature in individuals affected with TRRAP-related conditions. This variant results in a copy number gain of the genomic region encompassing exon(s) 2-31 of the TRRAP gene. This region includes the initiator codon of the gene. This copy number gain extends beyond the assayed region for this gene and therefore may encompass additional genes. As the precise location of this event is unknown, it may be in tandem or it may be located elsewhere in the genome.

NC_000007.13:g.(?_98478774)_(98540660_?)dup

Gene: TRRAP (transformation/transcription domain associated protein; plus strand). Cytogenetic location: 7q22.1.
Variant type: Duplication.
Identifiers: ClinVar variation 3245878 (VCV003245878.1).